The following is an entry in ClinVar:

NM_020338.4(ZMIZ1):c.1904C>T (p.Thr635Met)

Gene: ZMIZ1 (zinc finger MIZ-type containing 1; plus strand). Cytogenetic location: 10q22.3.
Variant type: single nucleotide variant.
Coding change: c.1904C>T on transcript NM_020338.4 (MANE Select); coding-DNA position 1904, C replaced by T.
Protein change: p.Thr635Met; replaces threonine 635 with methionine.
Molecular consequence: missense variant.
Genome position (GRCh38, 1-based): chr10:79,300,827, C>T. VCF-style: chr10-79300827-C-T. GRCh37 (hg19) VCF-style: chr10-81060584-C-T.
Other names: short protein forms T635M.
Identifiers: ClinVar variation 2782237 (VCV002782237.3), dbSNP rs750714755, ClinGen allele CA5572844.

ClinVar aggregate classification (germline): Uncertain significance (1 of 4 stars; one submission).

Allele frequency attached by ClinVar (database versions not stated): gnomAD 0.00001; gnomAD exomes 0.00001; ExAC 0.00002.
gnomAD v4.1: 10 of 1,613,728 alleles (0.00062%); highest among the groups gnomAD compares: South Asian, 0.0011%; no homozygotes.

Submission:

Labcorp Genetics (formerly Invitae), Labcorp
Classification: Uncertain significance. Last evaluated: 2024-05-21. Review status: criteria provided, single submitter. Criteria: Invitae Variant Classification Sherloc (09022015). Collection method: clinical testing. Allele origin: germline.
Comment: This sequence change replaces threonine, which is neutral and polar, with methionine, which is neutral and non-polar, at codon 635 of the ZMIZ1 protein (p.Thr635Met). This variant is present in population databases (rs750714755, gnomAD 0.003%). This variant has not been reported in the literature in individuals affected with ZMIZ1-related conditions. Advanced modeling of protein sequence and biophysical properties (such as structural, functional, and spatial information, amino acid conservation, physicochemical variation, residue mobility, and thermodynamic stability) performed at Invitae indicates that this missense variant is expected to disrupt ZMIZ1 protein function with a positive predictive value of 80%. In summary, the available evidence is currently insufficient to determine the role of this variant in disease. Therefore, it has been classified as a Variant of Uncertain Significance.